The following continues an entry in ClinVar:

NM_000059.4(BRCA2):c.5130_5133del (p.Asp1709_Tyr1710insTer)

Gene: BRCA2. ClinVar aggregate classification (germline): Pathogenic. Pathogenic (1).

Submissions 25 to 32 of 32:

PreventionGenetics, part of Exact Sciences
Classification: Pathogenic for BRCA2-related condition. Last evaluated: 2024-03-22. Review status: no assertion criteria provided. Collection method: clinical testing. Allele origin: germline. Not counted in ClinVar's aggregate classification.
Comment: The BRCA2 c.5130_5133delTGTA variant is predicted to result in premature protein termination (p.Tyr1710*). This variant is reported in 0.0065% of alleles in individuals of African descent in gnomAD. It is interpreted as pathogenic in ClinVar. Nonsense variants in BRCA2 are expected to be pathogenic. This variant is interpreted as pathogenic.

Laboratory for Genotyping Development, RIKEN
Classification: Pathogenic for Gastric cancer. Last evaluated: 2021-07-01. Review status: no assertion criteria provided. Collection method: research. Allele origin: germline. Not counted in ClinVar's aggregate classification.

BRCAlab, Lund University
Classification: Pathogenic for Breast-ovarian cancer, familial, susceptibility to, 2. Last evaluated: 2020-03-02. Review status: no assertion criteria provided. Collection method: clinical testing. Allele origin: germline. Affected: yes. Not counted in ClinVar's aggregate classification.

Counsyl
Classification: Pathogenic for Breast-ovarian cancer, familial, susceptibility to, 2. Last evaluated: 2016-03-08. Review status: no assertion criteria provided. Collection method: clinical testing. Allele origin: unknown. Not counted in ClinVar's aggregate classification.

Research Molecular Genetics Laboratory, Women's College Hospital, University of Toronto
Classification: Pathogenic for Hereditary breast ovarian cancer syndrome. Last evaluated: 2014-01-31. Review status: no assertion criteria provided. Collection method: research. Allele origin: germline. Affected: yes. Study: The Canadian Open Genetics Repository (COGR). Not counted in ClinVar's aggregate classification.

Breast Cancer Information Core (BIC) (BRCA2)
Classification: Pathogenic for Breast-ovarian cancer, familial 2. Last evaluated: 2014-01-07. Review status: no assertion criteria provided. Collection method: clinical testing. Allele origin: germline. Affected: yes. Observed: 9 variant alleles. Not counted in ClinVar's aggregate classification.

Sharing Clinical Reports Project (SCRP)
Classification: Pathogenic for Breast-ovarian cancer, familial 2. Last evaluated: 2010-09-13. Review status: no assertion criteria provided. Collection method: clinical testing. Allele origin: germline. Not counted in ClinVar's aggregate classification.

Department of Pathology and Laboratory Medicine, Sinai Health System
Classification: Pathogenic. Review status: no assertion criteria provided. Collection method: clinical testing. Allele origin: unknown. Affected: yes. Study: The Canadian Open Genetics Repository (COGR). Not counted in ClinVar's aggregate classification.
Comment: The BRCA2 p.Tyr1710* variant was identified in 22 of 48352 proband chromosomes (frequency: 0.0005) from individuals or families with hereditary breast and ovarian cancer (Rebbeck 2018, Soumittra 2009, Wong-Brown 2015, Bhaskaran 2019, Friedman 1997, de Juan Jimenez 2013, Shirts 2016, Fackenthal 2012, Finkelman 2012, Thomassen 2008, Ramus 2007). The variant was identified in dbSNP (rs760558178) as â€šÃ„ÃºNAâ€šÃ„Ã¹, ClinVar (classified as pathogenic by Invitae, Ambry Genetics, Color, GeneDx and 11 other submitters), LOVD 3.0 (observed 18x) and UMD-LSDB (observed 10x). The variant was identified in control databases in 1 of 226,864 chromosomes at a frequency of 0.000004 (Genome Aggregation Database Feb 27, 2017). The variant was observed in the African population in 1 of 15268 chromosomes (freq: 0.00007), while it was not observed in the Latino, Ashkenazi Jewish, East Asian, Finnish, European, Other or South Asian populations. The c.5130_5133del variant leads to a premature stop codon at position 1710, which is predicted to lead to a truncated or absent protein and loss of function. Loss of function variants of the BRCA2 gene are an established mechanism of disease in hereditary breast and ovarian cancer and is the type of variant expected to cause the disorder. In summary, based on the above information, this variant meets our laboratoryâ€šÃ„Ã´s criteria to be classified as pathogenic.

Literature cited by the submitters: PubMed 20104584 (cited by Labcorp Genetics (formerly Invitae), Labcorp); PubMed 9012404 (cited by 8 submitters); PubMed 19656415 (cited by 7 submitters); PubMed 23479189 (cited by 7 submitters); PubMed 25682074 (cited by 7 submitters); PubMed 26586665 (cited by Labcorp Genetics (formerly Invitae), Labcorp and Quest Diagnostics Nichols Institute San Juan Capistrano); PubMed 26845104 (cited by 5 submitters); PubMed 32885271 (cited by Center for Genomic Medicine, Rigshospitalet, Copenhagen University Hospital and Quest Diagnostics Nichols Institute San Juan Capistrano); PubMed 18465347 (cited by 3 submitters); PubMed 17688236 (cited by 5 submitters); PubMed 21720365 (cited by All of Us Research Program, National Institutes of Health and Color Diagnostics, LLC DBA Color Health); PubMed 22034289 (cited by 4 submitters); PubMed 24249303 (cited by 4 submitters); PubMed 28008555 (cited by 5 submitters); PubMed 28294317 (cited by All of Us Research Program, National Institutes of Health and Color Diagnostics, LLC DBA Color Health); PubMed 33471991 (cited by 4 submitters); PubMed 29176636 (cited by Ambry Genetics and Quest Diagnostics Nichols Institute San Juan Capistrano); PubMed 30322717 (cited by Ambry Genetics and Quest Diagnostics Nichols Institute San Juan Capistrano); PubMed 30702160 (cited by Ambry Genetics and Quest Diagnostics Nichols Institute San Juan Capistrano); PubMed 31825140 (cited by Ambry Genetics and Quest Diagnostics Nichols Institute San Juan Capistrano); PubMed 32719484 (cited by Ambry Genetics and Quest Diagnostics Nichols Institute San Juan Capistrano); PubMed 33804961 (cited by Quest Diagnostics Nichols Institute San Juan Capistrano); PubMed 33087929 (cited by Quest Diagnostics Nichols Institute San Juan Capistrano); PubMed 32980694 (cited by Quest Diagnostics Nichols Institute San Juan Capistrano); PubMed 30720243 (cited by Quest Diagnostics Nichols Institute San Juan Capistrano); PubMed 31447099 (cited by Quest Diagnostics Nichols Institute San Juan Capistrano); PubMed 30130155 (cited by Quest Diagnostics Nichols Institute San Juan Capistrano); PubMed 29922827 (cited by Quest Diagnostics Nichols Institute San Juan Capistrano); PubMed 29625052 (cited by Quest Diagnostics Nichols Institute San Juan Capistrano); PubMed 28888541 (cited by Quest Diagnostics Nichols Institute San Juan Capistrano); PubMed 28831036 (cited by Quest Diagnostics Nichols Institute San Juan Capistrano and Laboratory for Molecular Medicine, Mass General Brigham Personalized Medicine); PubMed 27989354 (cited by Quest Diagnostics Nichols Institute San Juan Capistrano and Laboratory for Molecular Medicine, Mass General Brigham Personalized Medicine); PubMed 26689913 (cited by Quest Diagnostics Nichols Institute San Juan Capistrano); PubMed 29446198 (cited by Quest Diagnostics Nichols Institute San Juan Capistrano); PubMed 22430266 (cited by Quest Diagnostics Nichols Institute San Juan Capistrano and Counsyl); PubMed 26295337 (cited by Quest Diagnostics Nichols Institute San Juan Capistrano); PubMed 36988593 (cited by Laboratory for Genotyping Development, RIKEN).